The following is an entry in ClinVar:

ClinVar aggregate classification (germline): Uncertain significance. Review status: criteria provided, multiple submitters, no conflicts (2 of 4 stars). 2 submissions from 2 submitters: Uncertain significance (2). Last evaluated 2025-05-21.

Conditions:
Inborn genetic diseases. Identifiers: MedGen C0950123, MeSH D030342.

Allele frequency attached by ClinVar (database versions not stated): gnomAD 0.00003; TOPMed 0.00003; ExAC 0.00004.
gnomAD v4.1: 38 of 1,556,234 alleles (0.0024%); highest among the groups gnomAD compares: Non-Finnish European, 0.0031%; no homozygotes.

Submissions (2):

Ambry Genetics
Classification: Uncertain significance for Inborn genetic diseases. Last evaluated: 2025-05-21. Review status: criteria provided, single submitter. Criteria: Ambry Variant Classification Scheme 2023. Collection method: clinical testing. Allele origin: germline.

Labcorp Genetics (formerly Invitae), Labcorp
Classification: Uncertain significance. Last evaluated: 2023-05-01. Review status: criteria provided, single submitter. Criteria: Invitae Variant Classification Sherloc (09022015). Collection method: clinical testing. Allele origin: germline.
Comment: This sequence change replaces threonine, which is neutral and polar, with isoleucine, which is neutral and non-polar, at codon 3088 of the DCHS1 protein (p.Thr3088Ile). This variant is present in population databases (rs746573455, gnomAD 0.005%). This variant has not been reported in the literature in individuals affected with DCHS1-related conditions. Advanced modeling of protein sequence and biophysical properties (such as structural, functional, and spatial information, amino acid conservation, physicochemical variation, residue mobility, and thermodynamic stability) performed at Invitae indicates that this missense variant is not expected to disrupt DCHS1 protein function. In summary, the available evidence is currently insufficient to determine the role of this variant in disease. Therefore, it has been classified as a Variant of Uncertain Significance.

NM_003737.4(DCHS1):c.9263C>T (p.Thr3088Ile)

Gene: DCHS1 (dachsous cadherin-related 1; minus strand). Cytogenetic location: 11p15.4.
Variant type: single nucleotide variant.
Coding change: c.9263C>T on transcript NM_003737.4 (MANE Select); coding-DNA position 9263, C replaced by T.
Protein change: p.Thr3088Ile; replaces threonine 3088 with isoleucine.
Molecular consequence: missense variant.
Genome position (GRCh38, 1-based): chr11:6,622,413, G>A on the plus strand (C>T on the coding strand, the complement: DCHS1 is on the minus strand). VCF-style: chr11-6622413-G-A. GRCh37 (hg19) VCF-style: chr11-6643644-G-A.
Other names: c.9263C>T (NM_003737.2); short protein forms T3088I.
Identifiers: ClinVar variation 2888985 (VCV002888985.4), dbSNP rs746573455, ClinGen allele CA5859294.